The following is an entry in ClinVar:

NM_014491.4(FOXP2):c.1579C>T (p.Leu527Phe)

Gene: FOXP2 (forkhead box P2; plus strand). Cytogenetic location: 7q31.1.
Variant type: single nucleotide variant.
Coding change: c.1579C>T on transcript NM_014491.4 (MANE Select); coding-DNA position 1579, C replaced by T.
Protein change: p.Leu527Phe; replaces leucine 527 with phenylalanine.
Molecular consequence: missense variant. On other transcripts: non-coding transcript variant (2).
Genome position (GRCh38, 1-based): chr7:114,659,605, C>T. VCF-style: chr7-114659605-C-T. GRCh37 (hg19) VCF-style: chr7-114299660-C-T.
Other names: c.1576C>T, p.Leu526Phe (NM_001172766.3); c.1654C>T, p.Leu552Phe (NM_148898.4); c.1630C>T, p.Leu544Phe (NM_148900.4); short protein forms L526F, L527F, L544F, L552F.
Identifiers: ClinVar variation 3361389 (VCV003361389.1).

ClinVar aggregate classification (germline): Uncertain significance (1 of 4 stars; one submission).

Submission:

GeneDx
Classification: Uncertain significance. Last evaluated: 2023-08-01. Review status: criteria provided, single submitter. Criteria: GeneDx Variant Classification Process June 2021. Collection method: clinical testing. Allele origin: germline. Affected: yes.
Comment: Not observed at significant frequency in large population cohorts (gnomAD); In silico analysis supports that this missense variant has a deleterious effect on protein structure/function; Has not been previously published as pathogenic or benign to our knowledge